The following is an entry in ClinVar:

ClinVar aggregate classification (germline): Conflicting classifications of pathogenicity. Review status: criteria provided, conflicting classifications (1 of 4 stars). 2 submissions from 2 submitters: Uncertain significance (1); Likely benign (1). Last evaluated 2026-08-19.

Conditions:
Long QT syndrome (LQTS). Identifiers: MedGen C0023976, MeSH D008133, MONDO:0002442. Disease mechanism: loss of function. Inheritance: Various modes of inheritance.
Cardiovascular phenotype. Identifiers: MedGen CN230736.

gnomAD v4.1: 7 of 1,613,216 alleles (0.00043%); highest among the groups gnomAD compares: East Asian, 0.0067%; no homozygotes.

Submissions (2):

Ambry Genetics
Classification: Likely benign for Cardiovascular phenotype. Last evaluated: 2026-08-19. Review status: criteria provided, single submitter. Criteria: Ambry Variant Classification Scheme 2023. Collection method: clinical testing. Allele origin: germline.

Labcorp Genetics (formerly Invitae), Labcorp
Classification: Uncertain significance for Long QT syndrome. Last evaluated: 2024-12-24. Review status: criteria provided, single submitter. Criteria: Invitae Variant Classification Sherloc (09022015). Collection method: clinical testing. Allele origin: germline.
Comment: This sequence change replaces arginine, which is basic and polar, with tryptophan, which is neutral and slightly polar, at codon 685 of the CACNA1C protein (p.Arg685Trp). This variant is present in population databases (no rsID available, gnomAD 0.01%). This variant has not been reported in the literature in individuals affected with CACNA1C-related conditions. Invitae Evidence Modeling of protein sequence and biophysical properties (such as structural, functional, and spatial information, amino acid conservation, physicochemical variation, residue mobility, and thermodynamic stability) has been performed for this missense variant. However, the output from this modeling did not meet the statistical confidence thresholds required to predict the impact of this variant on CACNA1C protein function. In summary, the available evidence is currently insufficient to determine the role of this variant in disease. Therefore, it has been classified as a Variant of Uncertain Significance.

NM_000719.7(CACNA1C):c.2053C>T (p.Arg685Trp)

Gene: CACNA1C (calcium voltage-gated channel subunit alpha1 C; plus strand). Cytogenetic location: 12p13.33.
Variant type: single nucleotide variant.
Coding change: c.2053C>T on transcript NM_000719.7 (MANE Select); coding-DNA position 2053, C replaced by T.
Protein change: p.Arg685Trp; replaces arginine 685 with tryptophan.
Molecular consequence: missense variant.
Genome position (GRCh38, 1-based): chr12:2,581,747, C>T. VCF-style: chr12-2581747-C-T. GRCh37 (hg19) VCF-style: chr12-2690913-C-T.
Other names: c.2053C>T, p.Arg685Trp (NM_001129829.2, NM_001129830.3, NM_001129831.2 and 18 more transcripts); c.2044C>T, p.Arg682Trp (NM_001129844.2); short protein forms R685W, R682W.
Identifiers: ClinVar variation 3730566 (VCV003730566.3).
Genomic context (GRCh38, chr12:2,581,747, plus strand): 5'-TTCTCCCTCCTGGGGATGCAGCTCTTTGGAGGAAAGTTCAACTTTGATGAGATGCAGACC[C>T]GGAGGAGCACATTCGATAACTTCCCCCAGTCCCTCCTCACTGTGTTTCAGGTATGGACTC-3'
Protein context (NP_000710.5, residues 675-695): GKFNFDEMQT[Arg685Trp]RSTFDNFPQS